The following is an entry in ClinVar:

ClinVar aggregate classification (germline): Uncertain significance. Review status: criteria provided, multiple submitters, no conflicts (2 of 4 stars). 2 submissions from 2 submitters: Uncertain significance (2). Last evaluated 2025-11-26.

Conditions:
Inborn genetic diseases. Identifiers: MedGen C0950123, MeSH D030342.

Submissions (2):

Labcorp Genetics (formerly Invitae), Labcorp
Classification: Uncertain significance. Last evaluated: 2025-11-26. Review status: criteria provided, single submitter. Criteria: Invitae Variant Classification Sherloc (09022015). Collection method: clinical testing. Allele origin: germline.
Comment: This sequence change replaces alanine, which is neutral and non-polar, with proline, which is neutral and non-polar, at codon 295 of the MBD4 protein (p.Ala295Pro). This variant is present in population databases (no rsID available, gnomAD 0.0009%). This variant has not been reported in the literature in individuals affected with MBD4-related conditions. ClinVar contains an entry for this variant (Variation ID: 3681894). An algorithm developed to predict the effect of missense changes on protein structure and function (PolyPhen-2) suggests that this variant is likely to be disruptive. In summary, the available evidence is currently insufficient to determine the role of this variant in disease. Therefore, it has been classified as a Variant of Uncertain Significance.

Ambry Genetics
Classification: Uncertain significance for Inborn genetic diseases. Last evaluated: 2025-02-26. Review status: criteria provided, single submitter. Criteria: Ambry Variant Classification Scheme 2023. Collection method: clinical testing. Allele origin: germline.
Comment: The p.A295P variant (also known as c.883G>C), located in coding exon 3 of the MBD4 gene, results from a G to C substitution at nucleotide position 883. The alanine at codon 295 is replaced by proline, an amino acid with highly similar properties. This amino acid position is conserved. In addition, the in silico prediction for this alteration is inconclusive. Based on the available evidence, the clinical significance of this variant remains unclear.

NM_001276270.2(MBD4):c.883G>C (p.Ala295Pro)

Gene: MBD4 (methyl-CpG binding domain 4, DNA glycosylase; minus strand). Cytogenetic location: 3q21.3.
Variant type: single nucleotide variant.
Coding change: c.883G>C on transcript NM_001276270.2 (MANE Select); coding-DNA position 883, G replaced by C.
Protein change: p.Ala295Pro; replaces alanine 295 with proline.
Molecular consequence: missense variant. On other transcripts: intron variant (1).
Genome position (GRCh38, 1-based): chr3:129,436,761, C>G on the plus strand (G>C on the coding strand, the complement: MBD4 is on the minus strand). VCF-style: chr3-129436761-C-G. GRCh37 (hg19) VCF-style: chr3-129155604-C-G.
Other names: c.883G>C, p.Ala295Pro (NM_001276271.2, NM_001276272.2, NM_003925.3); c.247+1047G>C (NM_001276273.2); short protein forms A295P.
Identifiers: ClinVar variation 3681894 (VCV003681894.3).